The following is an entry in ClinVar:

NM_001378609.3(OTOGL):c.3531C>T (p.Cys1177=)

Gene: OTOGL (otogelin like; plus strand). Cytogenetic location: 12q21.31.
Variant type: single nucleotide variant.
Coding change: c.3531C>T on transcript NM_001378609.3 (MANE Select); coding-DNA position 3531, C replaced by T.
Protein change: p.Cys1177=; no amino-acid change (cysteine 1177 retained).
Molecular consequence: synonymous variant.
Genome position (GRCh38, 1-based): chr12:80,313,556, C>T. VCF-style: chr12-80313556-C-T. GRCh37 (hg19) VCF-style: chr12-80707336-C-T.
Other names: c.3396C>T, p.Cys1132= (NM_001368062.3); c.3531C>T, p.Cys1177= (NM_001378610.3, NM_173591.7).
Identifiers: ClinVar variation 681162 (VCV000681162.1), dbSNP rs1312398457, ClinGen allele CA480811471.

ClinVar aggregate classification (germline): Likely benign (1 of 4 stars; one submission).

Allele frequency attached by ClinVar (database versions not stated): gnomAD exomes below 0.00001.
gnomAD v4.1: 7 of 1,612,082 alleles (0.00043%); highest among the groups gnomAD compares: South Asian, 0.0044%; no homozygotes.

Submission:

GeneDx
Classification: Likely benign. Last evaluated: 2018-04-10. Review status: criteria provided, single submitter. Criteria: GeneDx Variant Classification (06012015). Collection method: clinical testing. Allele origin: germline. Affected: yes.
Comment: This variant is considered likely benign or benign based on one or more of the following criteria: it is a conservative change, it occurs at a poorly conserved position in the protein, it is predicted to be benign by multiple in silico algorithms, and/or has population frequency not consistent with disease.